The following is an entry in ClinVar:

ClinVar aggregate classification (germline): Benign/Likely benign. Review status: criteria provided, multiple submitters, no conflicts (2 of 4 stars). 3 submissions from 3 submitters: Benign (1); Likely benign (1). 1 of the submissions does not count toward it. Last evaluated 2025-12-15.

Conditions:
ARHGAP24-related disorder. Also called: ARHGAP24-related condition.

Allele frequency attached by ClinVar (database versions not stated): gnomAD exomes 0.00014 and 0.00029; ExAC 0.00033; ESP Exome Variant Server 0.00108; gnomAD 0.00123 and 0.00136; TOPMed 0.00128; 1000 Genomes Project 30x 0.00156; 1000 Genomes Project 0.00200.
gnomAD v4.1: 410 of 1,614,166 alleles (0.025%); highest among the groups gnomAD compares: African/African-American, 0.45%; 3 homozygotes.

Submissions (3):

Labcorp Genetics (formerly Invitae), Labcorp
Classification: Benign. Last evaluated: 2025-12-15. Review status: criteria provided, single submitter. Criteria: Invitae Variant Classification Sherloc (09022015). Collection method: clinical testing. Allele origin: germline.

GeneDx
Classification: Likely benign. Last evaluated: 2021-05-11. Review status: criteria provided, single submitter. Criteria: GeneDx Variant Classification Process June 2021. Collection method: clinical testing. Allele origin: germline. Affected: yes.
Comment: In silico analysis supports that this missense variant does not alter protein structure/function; Has not been previously published as pathogenic or benign to our knowledge

PreventionGenetics, part of Exact Sciences
Classification: Likely benign for ARHGAP24-related condition. Last evaluated: 2022-12-19. Review status: no assertion criteria provided. Collection method: clinical testing. Allele origin: germline. Not counted in ClinVar's aggregate classification.
Comment: This variant is classified as likely benign based on ACMG/AMP sequence variant interpretation guidelines (Richards et al. 2015 PMID: 25741868, with internal and published modifications).

NM_001025616.3(ARHGAP24):c.1076A>G (p.Gln359Arg)

Gene: ARHGAP24 (Rho GTPase activating protein 24; plus strand). Cytogenetic location: 4q21.23.
Variant type: single nucleotide variant.
Coding change: c.1076A>G on transcript NM_001025616.3 (MANE Select); coding-DNA position 1076, A replaced by G.
Protein change: p.Gln359Arg; replaces glutamine 359 with arginine.
Molecular consequence: missense variant.
Genome position (GRCh38, 1-based): chr4:85,994,730, A>G. VCF-style: chr4-85994730-A-G. GRCh37 (hg19) VCF-style: chr4-86915883-A-G.
Other names: c.791A>G, p.Gln264Arg (NM_001042669.2); c.821A>G, p.Gln274Arg (NM_001287805.2); c.497A>G, p.Gln166Arg (NM_001346093.2); c.797A>G, p.Gln266Arg (NM_031305.3); short protein forms Q166R, Q264R, Q266R, Q274R, Q359R.
Identifiers: ClinVar variation 1321804 (VCV001321804.8), dbSNP rs115836717, ClinGen allele CA2994667.